The following is an entry in ClinVar:

NM_014244.5(ADAMTS2):c.2506A>C (p.Ile836Leu)

Gene: ADAMTS2 (ADAM metallopeptidase with thrombospondin type 1 motif 2; minus strand). Cytogenetic location: 5q35.3.
Variant type: single nucleotide variant.
Coding change: c.2506A>C on transcript NM_014244.5 (MANE Select); coding-DNA position 2506, A replaced by C.
Protein change: p.Ile836Leu; replaces isoleucine 836 with leucine.
Molecular consequence: missense variant.
Genome position (GRCh38, 1-based): chr5:179,128,070, T>G on the plus strand (A>C on the coding strand, the complement: ADAMTS2 is on the minus strand). VCF-style: chr5-179128070-T-G. GRCh37 (hg19) VCF-style: chr5-178555071-T-G.
Other names: c.2506A>C (NM_014244.4); short protein forms I836L.
Identifiers: ClinVar variation 2186427 (VCV002186427.5), dbSNP rs1011419172, ClinGen allele CA133031921.

ClinVar aggregate classification (germline): Uncertain significance. Review status: criteria provided, multiple submitters, no conflicts (2 of 4 stars). 2 submissions from 2 submitters: Uncertain significance (2). Last evaluated 2025-08-26.

Conditions:
Ehlers-Danlos syndrome, dermatosparaxis type. Also called: EDS VIIC; Dermatosparaxis; Ehlers-Danlos syndrome, type VII, autosomal recessive. Identifiers: Orphanet 1901, MedGen C2700425, MONDO:0009161, OMIM 225410.
Inborn genetic diseases. Identifiers: MedGen C0950123, MeSH D030342.

Allele frequency attached by ClinVar (database versions not stated): TOPMed below 0.00001; gnomAD exomes 0.00002.
gnomAD v4.1: 25 of 1,613,984 alleles (0.0015%); highest among the groups gnomAD compares: Non-Finnish European, 0.002%; no homozygotes.

Submissions (2):

Ambry Genetics
Classification: Uncertain significance for Inborn genetic diseases. Last evaluated: 2025-08-26. Review status: criteria provided, single submitter. Criteria: Ambry Variant Classification Scheme 2023. Collection method: clinical testing. Allele origin: germline.

Labcorp Genetics (formerly Invitae), Labcorp
Classification: Uncertain significance for Ehlers-Danlos syndrome, dermatosparaxis type. Last evaluated: 2023-12-11. Review status: criteria provided, single submitter. Criteria: Invitae Variant Classification Sherloc (09022015). Collection method: clinical testing. Allele origin: germline.
Comment: This sequence change replaces isoleucine, which is neutral and non-polar, with leucine, which is neutral and non-polar, at codon 836 of the ADAMTS2 protein (p.Ile836Leu). This variant is not present in population databases (gnomAD no frequency). This variant has not been reported in the literature in individuals affected with ADAMTS2-related conditions. ClinVar contains an entry for this variant (Variation ID: 2186427). An algorithm developed to predict the effect of missense changes on protein structure and function (PolyPhen-2) suggests that this variant is likely to be tolerated. In summary, the available evidence is currently insufficient to determine the role of this variant in disease. Therefore, it has been classified as a Variant of Uncertain Significance.